The following is an entry in ClinVar:

ClinVar aggregate classification (germline): Uncertain significance (1 of 4 stars; one submission).

Conditions:
Hereditary cancer-predisposing syndrome. Also called: Tumor predisposition; Hereditary Cancer Syndrome; Neoplastic Syndromes, Hereditary; Hereditary neoplastic syndrome. Identifiers: Orphanet 140162, MedGen C0027672, MeSH D009386, MONDO:0015356.

Submission:

Ambry Genetics
Classification: Uncertain significance for Hereditary cancer-predisposing syndrome. Last evaluated: 2023-03-01. Review status: criteria provided, single submitter. Criteria: Ambry Variant Classification Scheme 2023. Collection method: clinical testing. Allele origin: germline.
Comment: The p.K997N variant (also known as c.2991A>T), located in coding exon 4 of the MSH6 gene, results from an A to T substitution at nucleotide position 2991. The lysine at codon 997 is replaced by asparagine, an amino acid with similar properties. This amino acid position is well conserved in available vertebrate species. In addition, the in silico prediction for this alteration is inconclusive. Since supporting evidence is limited at this time, the clinical significance of this alteration remains unclear.

NM_000179.3(MSH6):c.2991A>T (p.Lys997Asn)

Gene: MSH6 (mutS homolog 6; plus strand). Cytogenetic location: 2p16.3.
Variant type: single nucleotide variant.
Coding change: c.2991A>T on transcript NM_000179.3 (MANE Select); coding-DNA position 2991, A replaced by T.
Protein change: p.Lys997Asn; replaces lysine 997 with asparagine.
Molecular consequence: missense variant.
Genome position (GRCh38, 1-based): chr2:47,800,974, A>T. VCF-style: chr2-47800974-A-T. GRCh37 (hg19) VCF-style: chr2-48028113-A-T.
Other names: c.2601A>T, p.Lys867Asn (NM_001281492.2); c.2085A>T, p.Lys695Asn (NM_001281493.2, NM_001281494.2); short protein forms K867N, K695N, K997N.
Identifiers: ClinVar variation 822456 (VCV000822456.5), dbSNP rs1572729601, ClinGen allele CA346756380.